The following is an entry in ClinVar:

ClinVar aggregate classification (germline): Uncertain significance (1 of 4 stars; one submission).

gnomAD v4.1: 1 of 1,614,116 alleles (0.000062%); no homozygotes.

Submission:

GeneDx
Classification: Uncertain significance. Last evaluated: 2024-10-10. Review status: criteria provided, single submitter. Criteria: GeneDx Variant Classification Process June 2021. Collection method: clinical testing. Allele origin: germline. Affected: yes.
Comment: Not observed at significant frequency in large population cohorts (gnomAD); In silico analysis supports that this missense variant has a deleterious effect on protein structure/function; Has not been previously published as pathogenic or benign to our knowledge

NM_000875.5(IGF1R):c.251A>G (p.Tyr84Cys)

Gene: IGF1R (insulin like growth factor 1 receptor; plus strand). Cytogenetic location: 15q26.3.
Variant type: single nucleotide variant.
Coding change: c.251A>G on transcript NM_000875.5 (MANE Select); coding-DNA position 251, A replaced by G.
Protein change: p.Tyr84Cys; replaces tyrosine 84 with cysteine.
Molecular consequence: missense variant.
Genome position (GRCh38, 1-based): chr15:98,707,718, A>G. VCF-style: chr15-98707718-A-G. GRCh37 (hg19) VCF-style: chr15-99250947-A-G.
Other names: c.251A>G, p.Tyr84Cys (NM_001291858.2); short protein forms Y84C.
Identifiers: ClinVar variation 3777521 (VCV003777521.1).